The following is an entry in ClinVar:

NM_005141.5(FGB):c.*1752G>T

Gene: FGB (fibrinogen beta chain; plus strand). Cytogenetic location: 4q31.3.
Variant type: single nucleotide variant.
Coding change: c.*1752G>T on transcript NM_005141.5 (MANE Select); 1752 bases downstream of the stop codon, G replaced by T.
Molecular consequence: 3 prime UTR variant.
Genome position (GRCh38, 1-based): chr4:154,572,402, G>T. VCF-style: chr4-154572402-G-T. GRCh37 (hg19) VCF-style: chr4-155493554-G-T.
Other names: c.*1752G>T (NM_001184741.1).
Identifiers: ClinVar variation 901477 (VCV000901477.4), dbSNP rs116381809, ClinGen allele CA108752928.
Genomic context (GRCh38, chr4:154,572,402, plus strand): 5'-CAGAGCCAGTGAATGGGACATAGGGTTTATTTAGGACTTAAATACAGATGTGGTCCAGTG[G>T]CAGTGGGCTGGACAGGACCGCTACTATTTGTAAAGAGTATGTAGTTTATATAACATTTCT-3'

ClinVar aggregate classification (germline): Benign (1 of 4 stars; one submission).

Conditions:
Congenital afibrinogenemia. Identifiers: Orphanet 335, Orphanet 98880, MedGen C2584774, MONDO:0008737, OMIM 202400.

Allele frequency attached by ClinVar (database versions not stated): 1000 Genomes Project 30x 0.00890; 1000 Genomes Project 0.00899; TOPMed 0.01211; gnomAD 0.01354 and 0.01407.
gnomAD v4.1: 2,164 of 152,280 alleles (1.4%); highest among the groups gnomAD compares: South Asian, 3.7%; 21 homozygotes.

Submission:

Illumina Laboratory Services, Illumina
Classification: Benign for Congenital afibrinogenemia. Last evaluated: 2018-01-13. Review status: criteria provided, single submitter. Criteria: ICSL Variant Classification Criteria 13 December 2019. Collection method: clinical testing. Allele origin: germline.
Comment: This variant was observed in the ICSL laboratory as part of a predisposition screen in an ostensibly healthy population. It had not been previously curated by ICSL or reported in the Human Gene Mutation Database (HGMD: prior to June 1st, 2018), and was therefore a candidate for classification through an automated scoring system. Utilizing variant allele frequency, disease prevalence and penetrance estimates, and inheritance mode, an automated score was calculated to assess if this variant is too frequent to cause the disease. Based on the score and internal cut-off values, a variant classified as benign is not then subjected to further curation. The score for this variant resulted in a classification of benign for this disease.